The following is an entry in ClinVar:

NM_001372.4(DNAH9):c.2135C>A (p.Pro712His)

Gene: DNAH9 (dynein axonemal heavy chain 9; plus strand). Cytogenetic location: 17p12.
Variant type: single nucleotide variant.
Coding change: c.2135C>A on transcript NM_001372.4 (MANE Select); coding-DNA position 2135, C replaced by A.
Protein change: p.Pro712His; replaces proline 712 with histidine.
Molecular consequence: missense variant.
Genome position (GRCh38, 1-based): chr17:11,651,106, C>A. VCF-style: chr17-11651106-C-A. GRCh37 (hg19) VCF-style: chr17-11554423-C-A.
Other names: short protein forms P712H.
Identifiers: ClinVar variation 1969220 (VCV001969220.5), dbSNP rs766349315, ClinGen allele CA398175524.

ClinVar aggregate classification (germline): Uncertain significance (1 of 4 stars; one submission).

Submission:

Labcorp Genetics (formerly Invitae), Labcorp
Classification: Uncertain significance. Last evaluated: 2022-03-30. Review status: criteria provided, single submitter. Criteria: Invitae Variant Classification Sherloc (09022015). Collection method: clinical testing. Allele origin: germline.
Comment: In summary, the available evidence is currently insufficient to determine the role of this variant in disease. Therefore, it has been classified as a Variant of Uncertain Significance. Algorithms developed to predict the effect of missense changes on protein structure and function are either unavailable or do not agree on the potential impact of this missense change (SIFT: "Deleterious"; PolyPhen-2: "Benign"; Align-GVGD: "Class C0"). This variant has not been reported in the literature in individuals affected with DNAH9-related conditions. This variant is not present in population databases (gnomAD no frequency). This sequence change replaces proline, which is neutral and non-polar, with histidine, which is basic and polar, at codon 712 of the DNAH9 protein (p.Pro712His).